The following is an entry in ClinVar:

NM_015450.3(POT1):c.419C>T (p.Ala140Val)

Gene: POT1 (protection of telomeres 1; minus strand). Cytogenetic location: 7q31.33.
Variant type: single nucleotide variant.
Coding change: c.419C>T on transcript NM_015450.3 (MANE Select); coding-DNA position 419, C replaced by T.
Protein change: p.Ala140Val; replaces alanine 140 with valine.
Molecular consequence: missense variant. On other transcripts: non-coding transcript variant (3).
Genome position (GRCh38, 1-based): chr7:124,863,477, G>A on the plus strand (C>T on the coding strand, the complement: POT1 is on the minus strand). VCF-style: chr7-124863477-G-A. GRCh37 (hg19) VCF-style: chr7-124503531-G-A.
Other names: c.26C>T, p.Ala9Val (NM_001042594.2); short protein forms A140V, A9V.
Identifiers: ClinVar variation 3423135 (VCV003423135.1).
Genomic context (GRCh38, chr7:124,863,477, plus strand): 5'-TGCATTGGCTGAACATCACACAATTTTAGTAATGTCCAAGACGGTGACATATGAGTAGAT[G>A]CCCAAACACGTAAGGCTTCTACCATTTTGTGGTCCTCAGTAGTGAAGTTAAAATACTTGC-3'
Protein context (NP_056265.2, residues 130-150): HKMVEALRVW[Ala140Val]STHMSPSWTL

ClinVar aggregate classification (germline): Uncertain significance (1 of 4 stars; one submission).

Conditions:
Hereditary cancer-predisposing syndrome. Also called: Neoplastic Syndromes, Hereditary; Tumor predisposition; Hereditary Cancer Syndrome; Hereditary neoplastic syndrome. Identifiers: Orphanet 140162, MedGen C0027672, MeSH D009386, MONDO:0015356.

Submission:

Ambry Genetics
Classification: Uncertain significance for Hereditary cancer-predisposing syndrome. Last evaluated: 2024-11-04. Review status: criteria provided, single submitter. Criteria: Ambry Variant Classification Scheme 2023. Collection method: clinical testing. Allele origin: germline.
Comment: The p.A140V variant (also known as c.419C>T), located in coding exon 4 of the POT1 gene, results from a C to T substitution at nucleotide position 419. The alanine at codon 140 is replaced by valine, an amino acid with similar properties. This amino acid position is highly conserved in available vertebrate species. In addition, the in silico prediction for this alteration is inconclusive. Based on the available evidence, the clinical significance of this variant remains unclear.